The following is an entry in ClinVar:

NM_170606.3(KMT2C):c.14529C>T (p.Pro4843=)

Gene: KMT2C (lysine methyltransferase 2C; minus strand). Cytogenetic location: 7q36.1.
Variant type: single nucleotide variant.
Coding change: c.14529C>T on transcript NM_170606.3 (MANE Select); coding-DNA position 14529, C replaced by T.
Protein change: p.Pro4843=; no amino-acid change (proline 4843 retained).
Molecular consequence: synonymous variant.
Genome position (GRCh38, 1-based): chr7:152,139,191, G>A on the plus strand (C>T on the coding strand, the complement: KMT2C is on the minus strand). VCF-style: chr7-152139191-G-A. GRCh37 (hg19) VCF-style: chr7-151836276-G-A.
Identifiers: ClinVar variation 3257047 (VCV003257047.18).

ClinVar aggregate classification (germline): Likely benign. Review status: criteria provided, multiple submitters, no conflicts (2 of 4 stars). 2 submissions from 2 submitters: Likely benign (2). Last evaluated 2026-09-01.

gnomAD v4.1: 81 of 1,613,956 alleles (0.005%); highest among the groups gnomAD compares: South Asian, 0.0099%; no homozygotes.

Submissions (2):

CeGaT Center for Human Genetics Tuebingen
Classification: Likely benign. Last evaluated: 2026-09-01. Review status: criteria provided, single submitter. Criteria: CeGaT Center For Human Genetics Tuebingen Variant Classification Criteria Version 2. Collection method: clinical testing. Allele origin: germline. Affected: yes. Observed: 2 variant alleles.
Comment: KMT2C: BP4, BP7

Blueprint Genetics
Classification: Likely benign. Last evaluated: 2021-05-25. Review status: criteria provided, single submitter. Criteria: ACMG Guidelines, 2015. Collection method: clinical testing. Allele origin: germline.